The following is an entry in ClinVar:

NM_206933.4(USH2A):c.12791A>G (p.Glu4264Gly)

Gene: USH2A (usherin; minus strand). Cytogenetic location: 1q41.
Variant type: single nucleotide variant.
Coding change: c.12791A>G on transcript NM_206933.4 (MANE Select); coding-DNA position 12791, A replaced by G.
Protein change: p.Glu4264Gly; replaces glutamic acid 4264 with glycine.
Molecular consequence: missense variant.
Genome position (GRCh38, 1-based): chr1:215,675,120, T>C on the plus strand (A>G on the coding strand, the complement: USH2A is on the minus strand). VCF-style: chr1-215675120-T-C. GRCh37 (hg19) VCF-style: chr1-215848462-T-C.
Other names: c.12791A>G (NM_206933.2); short protein forms E4264G.
Identifiers: ClinVar variation 3674420 (VCV003674420.3).
Genomic context (GRCh38, chr1:215,675,120, plus strand): 5'-GAAATCAGCAGTTTTTGGGGATTCATAGAAACATAGGATATCACAGGTGGAGAGAGACCT[T>C]CTGGAGGTGCTTGCAATGTCCTCACCACATTCCAAGAGCTACAGGTATGCCCAGCTGAAT-3'
Protein context (NP_996816.3, residues 4254-4274): NVVRTLQAPP[Glu4264Gly]GLSPPVISYV

ClinVar aggregate classification (germline): Uncertain significance. Review status: criteria provided, multiple submitters, no conflicts (2 of 4 stars). 2 submissions from 2 submitters: Uncertain significance (2). Last evaluated 2026-08-04.

Conditions:
USH2A-related disorder. Also called: USH2A-related condition; USH2A-related disorders. Identifiers: MedGen CN239332.

gnomAD v4.1: 1 of 1,614,038 alleles (0.000062%); highest among the groups gnomAD compares: Non-Finnish European, 0.000085%; no homozygotes.

Submissions (2):

PreventionGenetics, part of Exact Sciences
Classification: Uncertain significance for USH2A-related condition. Last evaluated: 2026-08-04. Review status: criteria provided, single submitter. Criteria: ACMG Guidelines, 2015. Collection method: clinical testing. Allele origin: germline.
Comment: The USH2A c.12791A>G variant is predicted to result in the amino acid substitution p.Glu4264Gly. To our knowledge, this variant has not been reported in the literature or in a large population database (gnomAD), indicating this variant is rare. At this time, the clinical significance of this variant is uncertain due to the absence of conclusive functional and genetic evidence.

Labcorp Genetics (formerly Invitae), Labcorp
Classification: Uncertain significance. Last evaluated: 2024-07-12. Review status: criteria provided, single submitter. Criteria: Invitae Variant Classification Sherloc (09022015). Collection method: clinical testing. Allele origin: germline.
Comment: This sequence change replaces glutamic acid, which is acidic and polar, with glycine, which is neutral and non-polar, at codon 4264 of the USH2A protein (p.Glu4264Gly). This variant is not present in population databases (gnomAD no frequency). This variant has not been reported in the literature in individuals affected with USH2A-related conditions. Advanced modeling of protein sequence and biophysical properties (such as structural, functional, and spatial information, amino acid conservation, physicochemical variation, residue mobility, and thermodynamic stability) performed at Invitae indicates that this missense variant is not expected to disrupt USH2A protein function with a negative predictive value of 95%. In summary, the available evidence is currently insufficient to determine the role of this variant in disease. Therefore, it has been classified as a Variant of Uncertain Significance.